The following is an entry in ClinVar:

ClinVar aggregate classification (germline): Conflicting classifications of pathogenicity. Review status: criteria provided, conflicting classifications (1 of 4 stars). 4 submissions from 4 submitters: Uncertain significance (2); Likely benign (1). 1 of the submissions does not count toward it. Last evaluated 2026-11-24.

Conditions:
Glomerulonephritis. Also called: Glomerulonephritis (disease). Identifiers: MedGen C0017658, MONDO:0002462, HP:0000099.
LAMA5-related disorder. Also called: LAMA5-Related Disorders; LAMA5-related condition.
Bent bone dysplasia syndrome 2 (BBDS2). Identifiers: MedGen C5774233, MONDO:0859573, OMIM 620076.

Allele frequency attached by ClinVar (database versions not stated): ESP Exome Variant Server 0.00033; ExAC 0.00123; 1000 Genomes Project 0.00080; 1000 Genomes Project 30x 0.00094.
gnomAD v4.1: 1,405 of 1,512,662 alleles (0.093%); highest among the groups gnomAD compares: South Asian, 0.18%; 3 homozygotes.

Submissions (4):

Clinical Genetics Laboratory, Skane University Hospital Lund
Classification: Uncertain significance for Glomerulonephritis. Last evaluated: 2026-11-24. Review status: criteria provided, single submitter. Criteria: ACMG Guidelines, 2015. Collection method: clinical testing. Allele origin: germline. Affected: yes. Observed: 1 variant allele.

Labcorp Genetics (formerly Invitae), Labcorp
Classification: Uncertain significance. Last evaluated: 2025-12-30. Review status: criteria provided, single submitter. Criteria: Invitae Variant Classification Sherloc (09022015). Collection method: clinical testing. Allele origin: germline.
Comment: This sequence change replaces arginine, which is basic and polar, with cysteine, which is neutral and slightly polar, at codon 2053 of the LAMA5 protein (p.Arg2053Cys). This variant is present in population databases (rs201815547, gnomAD 0.1%), and has an allele count higher than expected for a pathogenic variant. This variant has not been reported in the literature in individuals affected with LAMA5-related conditions. ClinVar contains an entry for this variant (Variation ID: 1710302). An algorithm developed to predict the effect of missense changes on protein structure and function (PolyPhen-2) suggests that this variant is likely to be tolerated. In summary, the available evidence is currently insufficient to determine the role of this variant in disease. Therefore, it has been classified as a Variant of Uncertain Significance.

PreventionGenetics, part of Exact Sciences
Classification: Likely benign for LAMA5-related condition. Last evaluated: 2025-06-16. Review status: criteria provided, single submitter. Criteria: ACMG Guidelines, 2015. Collection method: clinical testing. Allele origin: germline.
Comment: This variant is classified as likely benign based on ACMG/AMP sequence variant interpretation guidelines (Richards et al. 2015 PMID: 25741868, with internal and published modifications).

OMIM
Classification: Pathogenic for BENT BONE DYSPLASIA SYNDROME 2 (1 family). Last evaluated: 2023-11-02. Review status: no assertion criteria provided. Collection method: literature only. Allele origin: germline. Not counted in ClinVar's aggregate classification.

Literature cited by the submitters: PubMed 33242826 (cited by OMIM).

NM_005560.6(LAMA5):c.6157C>T (p.Arg2053Cys)

Gene: LAMA5 (laminin subunit alpha 5; minus strand). Cytogenetic location: 20q13.33.
Variant type: single nucleotide variant.
Coding change: c.6157C>T on transcript NM_005560.6 (MANE Select); coding-DNA position 6157, C replaced by T.
Protein change: p.Arg2053Cys; replaces arginine 2053 with cysteine.
Molecular consequence: missense variant.
Genome position (GRCh38, 1-based): chr20:62,322,666, G>A on the plus strand (C>T on the coding strand, the complement: LAMA5 is on the minus strand). VCF-style: chr20-62322666-G-A. GRCh37 (hg19) VCF-style: chr20-60897722-G-A.
Other names: R2053C; c.6157C>T (NM_005560.4).
Identifiers: ClinVar variation 1710302 (VCV001710302.9), dbSNP rs201815547, ClinGen allele CA9941872.